The following is an entry in ClinVar:

NM_000350.3(ABCA4):c.53G>C (p.Arg18Pro)

Gene: ABCA4 (ATP binding cassette subfamily A member 4; minus strand). Cytogenetic location: 1p22.1.
Variant type: single nucleotide variant.
Coding change: c.53G>C on transcript NM_000350.3 (MANE Select); coding-DNA position 53, G replaced by C.
Protein change: p.Arg18Pro; replaces arginine 18 with proline.
Molecular consequence: missense variant.
Genome position (GRCh38, 1-based): chr1:94,120,993, C>G on the plus strand (G>C on the coding strand, the complement: ABCA4 is on the minus strand). VCF-style: chr1-94120993-C-G. GRCh37 (hg19) VCF-style: chr1-94586549-C-G.
Other names: c.53G>C, p.Arg18Pro (NM_001425324.1); short protein forms R18P.
Identifiers: ClinVar variation 866562 (VCV000866562.7), dbSNP rs868543294, ClinGen allele CA341288585.

ClinVar aggregate classification (germline): Pathogenic/Likely pathogenic. Review status: criteria provided, multiple submitters, no conflicts (2 of 4 stars). 3 submissions from 3 submitters: Pathogenic (2); Likely pathogenic (1). Last evaluated 2024-11-19.

Conditions:
Retinitis pigmentosa 19 (RP19). Also called: ABCA4-Related Retinitis Pigmentosa. Identifiers: Orphanet 791, MedGen C1866422, MONDO:0011137, OMIM 601718.
Severe early-childhood-onset retinal dystrophy (STGD1). Also called: STGD; Stargardt macular dystrophy; Juvenile onset macular degeneration; Stargardt disease 1; MACULAR DYSTROPHY WITH FLECKS, TYPE 1. Identifiers: Orphanet 364055, Orphanet 827, MedGen C1855465, MeSH D000080362, MONDO:0009549, OMIM 248200.
ABCA4-related disorder. Also called: ABCA4-related disorders; ABCA4-related condition. Identifiers: MedGen CN239167.

Submissions (3):

Blueprint Genetics
Classification: Pathogenic for ABCA4-related disorders. Last evaluated: 2024-11-19. Review status: criteria provided, single submitter. Criteria: ACMG Guidelines, 2015. Collection method: clinical testing. Allele origin: germline. Affected: yes. Observed: 2 variant alleles.

Labcorp Genetics (formerly Invitae), Labcorp
Classification: Pathogenic. Last evaluated: 2023-08-16. Review status: criteria provided, single submitter. Criteria: Invitae Variant Classification Sherloc (09022015). Collection method: clinical testing. Allele origin: germline.
Comment: ClinVar contains an entry for this variant (Variation ID: 866562). This missense change has been observed in individual(s) with Stargardt Disease (PMID: 26780318, 33301772). This variant is not present in population databases (gnomAD no frequency). This sequence change replaces arginine, which is basic and polar, with proline, which is neutral and non-polar, at codon 18 of the ABCA4 protein (p.Arg18Pro). Advanced modeling of protein sequence and biophysical properties (such as structural, functional, and spatial information, amino acid conservation, physicochemical variation, residue mobility, and thermodynamic stability) performed at Invitae indicates that this missense variant is expected to disrupt ABCA4 protein function. For these reasons, this variant has been classified as Pathogenic. This variant disrupts the p.Arg18 amino acid residue in ABCA4. Other variant(s) that disrupt this residue have been determined to be pathogenic (PMID: 23096905, 23755871, 29854428, 29925512). This suggests that this residue is clinically significant, and that variants that disrupt this residue are likely to be disease-causing.

Juno Genomics, Hangzhou Juno Genomics, Inc
Classification: Likely pathogenic for Retinitis pigmentosa 19; Severe early-childhood-onset retinal dystrophy. Review status: criteria provided, single submitter. Criteria: ACMG Guidelines, 2015. Collection method: clinical testing. Allele origin: germline.
Comment: Absent from controls (or at extremely low frequency if recessive) in Genome Aggregation Database.;Multiple lines of computational evidence support a deleterious effect on the gene or gene product.;For recessive disorders, detected in trans with a pathogenic variant.;Novel missense change at an amino acid residue where a different missense change determined to be pathogenic has been seen before.

Literature cited by the submitters: PubMed 26780318 (cited by Labcorp Genetics (formerly Invitae), Labcorp); PubMed 33301772 (cited by Labcorp Genetics (formerly Invitae), Labcorp); PubMed 23096905 (cited by Labcorp Genetics (formerly Invitae), Labcorp); PubMed 23755871 (cited by Labcorp Genetics (formerly Invitae), Labcorp); PubMed 29854428 (cited by Labcorp Genetics (formerly Invitae), Labcorp); PubMed 29925512 (cited by Labcorp Genetics (formerly Invitae), Labcorp).